The following is an entry in ClinVar:

GRCh37/hg19 15q25.2-26.1(chr15:83883823-92165844)

Genes: AEN (apoptosis enhancing nuclease; plus strand), ABHD2 (abhydrolase domain containing 2, acylglycerol lipase; plus strand), ACAN (aggrecan; plus strand), ADAMTSL3 (ADAMTS like 3; plus strand), AGBL1 (AGBL carboxypeptidase 1; plus strand) and 55 more. Cytogenetic location: 15q25.2-26.1.
Variant type: copy number loss.
Identifiers: ClinVar variation 625751 (VCV000625751.1).

ClinVar aggregate classification (germline): Pathogenic (1 of 4 stars; one submission).

Submission:

Baylor Genetics
Classification: Pathogenic. Last evaluated: 2018-11-01. Review status: criteria provided, single submitter. Criteria: ACMG CNV Guidelines, 2011. Collection method: clinical testing. Allele origin: de novo. Affected: yes. Observed: 1 variant allele.
Comment: Deletions involving this region have been previously reported in patients with development delay, epilepsy and mild dysmorphic features (PMID: 21723464, PMID 22178256, PMID 19486360)